The following is an entry in ClinVar:

NM_003764.4(STX11):c.*3780C>T

Gene: STX11 (syntaxin 11; plus strand). Cytogenetic location: 6q24.2.
Variant type: single nucleotide variant.
Coding change: c.*3780C>T on transcript NM_003764.4 (MANE Select); 3780 bases downstream of the stop codon, C replaced by T.
Molecular consequence: 3 prime UTR variant.
Genome position (GRCh38, 1-based): chr6:144,191,271, C>T. VCF-style: chr6-144191271-C-T. GRCh37 (hg19) VCF-style: chr6-144512408-C-T.
Other names: c.*3780C>T (LRG_113t1).
Identifiers: ClinVar variation 355657 (VCV000355657.5), dbSNP rs17073509, ClinGen allele CA10626003.

ClinVar aggregate classification (germline): Benign (1 of 4 stars; one submission).

Conditions:
Familial hemophagocytic lymphohistiocytosis 4 (FHL4). Also called: STX11-Related Familial Hemophagocytic Lymphohistiocytosis (STX11-fHLH). Identifiers: Orphanet 540, MedGen C1863728, MONDO:0011336, OMIM 603552.

Allele frequency attached by ClinVar (database versions not stated): gnomAD 0.00562 and 0.00707; 1000 Genomes Project 30x 0.02233; 1000 Genomes Project 0.02476.

Submission:

Illumina Laboratory Services, Illumina
Classification: Benign for Familial hemophagocytic lymphohistiocytosis 4. Last evaluated: 2018-01-12. Review status: criteria provided, single submitter. Criteria: ICSL Variant Classification Criteria 13 December 2019. Collection method: clinical testing. Allele origin: germline.
Comment: This variant was observed in the ICSL laboratory as part of a predisposition screen in an ostensibly healthy population. It had not been previously curated by ICSL or reported in the Human Gene Mutation Database (HGMD: prior to June 1st, 2018), and was therefore a candidate for classification through an automated scoring system. Utilizing variant allele frequency, disease prevalence and penetrance estimates, and inheritance mode, an automated score was calculated to assess if this variant is too frequent to cause the disease. Based on the score and internal cut-off values, a variant classified as benign is not then subjected to further curation. The score for this variant resulted in a classification of benign for this disease.